The following is an entry in ClinVar:

NM_002772.3(TMPRSS15):c.1312dup (p.Ser438fs)

Gene: TMPRSS15 (transmembrane serine protease 15; minus strand). Cytogenetic location: 21q21.1.
Variant type: Duplication.
Coding change: c.1312dup on transcript NM_002772.3 (MANE Select); coding-DNA position 1312, one base duplicated (A; older notation c.1312dupA).
Protein change: p.Ser438fs; shifts the reading frame from serine 438.
Molecular consequence: frameshift variant.
Genome position (GRCh38, 1-based): chr21:18,343,622, T duplicated on the plus strand (A on the coding strand, the reverse complement: TMPRSS15 is on the minus strand); the first of 2 consecutive T bases (chr21:18,343,622-18,343,623); duplicating either gives the same sequence. VCF-style (leftmost placement, unchanged base first): chr21-18343621-C-CT. GRCh37 (hg19) VCF-style: chr21-19715938-C-CT.
Other names: short protein forms S438fs.
Identifiers: ClinVar variation 1935335 (VCV001935335.5), dbSNP rs777653277, ClinGen allele CA318130526.
Genomic context (GRCh38, chr21:18,343,621, plus strand): 5'-TAATTTCCTTCCTTTTGGAAAACTGTCTTCTCCATATTTTGGTCATTGCTGATATTAATG[C>CT]TTAATTTATGGACATTTTCACCATACATATGATACCTAGTTTGGAAAGAAGCAAAAATGT-3'

ClinVar aggregate classification (germline): Pathogenic (1 of 4 stars; one submission).

Submission:

Labcorp Genetics (formerly Invitae), Labcorp
Classification: Pathogenic. Last evaluated: 2025-04-01. Review status: criteria provided, single submitter. Criteria: Invitae Variant Classification Sherloc (09022015). Collection method: clinical testing. Allele origin: germline.
Comment: This sequence change creates a premature translational stop signal (p.Ser438Lysfs*3) in the TMPRSS15 gene. It is expected to result in an absent or disrupted protein product. Loss-of-function variants in TMPRSS15 are known to be pathogenic (PMID: 11719902). This variant is not present in population databases (gnomAD no frequency). This variant has not been reported in the literature in individuals affected with TMPRSS15-related conditions. ClinVar contains an entry for this variant (Variation ID: 1935335). Algorithms developed to predict the effect of sequence changes on RNA splicing suggest that this variant may disrupt the consensus splice site. For these reasons, this variant has been classified as Pathogenic.

Literature cited by the submitters: PubMed 11719902.